The following is an entry in ClinVar:

ClinVar aggregate classification (germline): Uncertain significance. Review status: criteria provided, multiple submitters, no conflicts (2 of 4 stars). 2 submissions from 2 submitters: Uncertain significance (2). Last evaluated 2025-08-30.

Conditions:
Hereditary cancer-predisposing syndrome. Also called: Hereditary neoplastic syndrome; Tumor predisposition; Hereditary Cancer Syndrome; Neoplastic Syndromes, Hereditary. Identifiers: Orphanet 140162, MedGen C0027672, MeSH D009386, MONDO:0015356.

gnomAD v4.1: 2 of 1,599,852 alleles (0.00013%); highest among the groups gnomAD compares: Non-Finnish European, 0.00017%; no homozygotes.

Submissions (2):

Ambry Genetics
Classification: Uncertain significance for Hereditary cancer-predisposing syndrome. Last evaluated: 2025-08-30. Review status: criteria provided, single submitter. Criteria: Ambry Variant Classification Scheme 2023. Collection method: clinical testing. Allele origin: germline.
Comment: The p.G1186A variant (also known as c.3557G>C) is located in coding exon 7 of the MSH6 gene. The glycine at codon 1186 is replaced by alanine, an amino acid with similar properties. This change occurs in the first base pair of coding exon 7. This amino acid position is conserved. In addition, this alteration is predicted to be deleterious by in silico analysis. Based on the available evidence, the clinical significance of this variant remains unclear.

Color Diagnostics, LLC DBA Color Health
Classification: Uncertain significance for Hereditary cancer-predisposing syndrome. Last evaluated: 2018-08-30. Review status: criteria provided, single submitter. Criteria: ACMG Guidelines, 2015. Collection method: clinical testing. Allele origin: germline.

NM_000179.3(MSH6):c.3557G>C (p.Gly1186Ala)

Gene: MSH6 (mutS homolog 6; plus strand). Cytogenetic location: 2p16.3.
Variant type: single nucleotide variant.
Coding change: c.3557G>C on transcript NM_000179.3 (MANE Select); coding-DNA position 3557, G replaced by C.
Protein change: p.Gly1186Ala; replaces glycine 1186 with alanine.
Molecular consequence: missense variant.
Genome position (GRCh38, 1-based): chr2:47,805,618, G>C. VCF-style: chr2-47805618-G-C. GRCh37 (hg19) VCF-style: chr2-48032757-G-C.
Other names: c.3167G>C, p.Gly1056Ala (NM_001281492.2); c.2651G>C, p.Gly884Ala (NM_001281493.2, NM_001281494.2); short protein forms G1186A, G1056A, G884A.
Identifiers: ClinVar variation 491952 (VCV000491952.4), dbSNP rs587781690, ClinGen allele CA346760404.